The following is an entry in ClinVar:

ClinVar aggregate classification (germline): Pathogenic (0 of 4 stars; one submission).

Conditions:
Autosomal dominant nonsyndromic hearing loss 51. Also called: CHROMOSOME 9q21.11 DUPLICATION SYNDROME; Deafness, autosomal dominant 51. Identifiers: Orphanet 90635, MedGen C3160736, MONDO:0013305, OMIM 613558.

Submission:

Laboratory of Prof. Karen Avraham, Tel Aviv University
Classification: Pathogenic for Autosomal dominant nonsyndromic hearing loss 51. Last evaluated: 2019-11-24. Review status: no assertion criteria provided. Collection method: research. Allele origin: germline. Affected: yes.
Comment: Dominant, postlingual, mild to profound high tone NSHL

9q21.11 duplication includes NM_001170414.2

Literature cited by the submitters: PubMed 20602916.

9q21.11 duplication

Gene: TJP2 (tight junction protein 2; plus strand). Cytogenetic location: 9q21.11.
Variant type: Duplication.
Identifiers: ClinVar variation 813832 (VCV000813832.1).